The following is an entry in ClinVar:

ClinVar aggregate classification (germline): Uncertain significance (1 of 4 stars; one submission).

Conditions:
Hereditary cancer-predisposing syndrome. Also called: Neoplastic Syndromes, Hereditary; Tumor predisposition; Hereditary neoplastic syndrome; Hereditary Cancer Syndrome. Identifiers: Orphanet 140162, MedGen C0027672, MeSH D009386, MONDO:0015356.

gnomAD v4.1: 1 of 1,613,966 alleles (0.000062%); highest among the groups gnomAD compares: South Asian, 0.0011%; no homozygotes.

Submission:

Ambry Genetics
Classification: Uncertain significance for Hereditary cancer-predisposing syndrome. Last evaluated: 2026-07-02. Review status: criteria provided, single submitter. Criteria: Ambry Variant Classification Scheme 2023. Collection method: clinical testing. Allele origin: germline.
Comment: The p.D1134E variant (also known as c.3402C>G), located in coding exon 15 of the APC gene, results from a C to G substitution at nucleotide position 3402. The aspartic acid at codon 1134 is replaced by glutamic acid, an amino acid with highly similar properties. This amino acid position is conserved. In addition, in silico predictors for this gene do not accurately predict pathogenicity. Based on the available evidence, the clinical significance of this variant remains unclear.

NM_000038.6(APC):c.3402C>G (p.Asp1134Glu)

Gene: APC (APC regulator of Wnt signaling pathway; plus strand). Cytogenetic location: 5q22.2.
Variant type: single nucleotide variant.
Coding change: c.3402C>G on transcript NM_000038.6 (MANE Select); coding-DNA position 3402, C replaced by G.
Protein change: p.Asp1134Glu; replaces aspartic acid 1134 with glutamic acid.
Molecular consequence: missense variant. On other transcripts: non-coding transcript variant (2).
Genome position (GRCh38, 1-based): chr5:112,838,996, C>G. VCF-style: chr5-112838996-C-G. GRCh37 (hg19) VCF-style: chr5-112174693-C-G.
Other names: c.3402C>G, p.Asp1134Glu (NM_001127510.3, NM_001407450.1, NM_001354895.2); c.3381C>G, p.Asp1127Glu (NM_001407451.1); c.3372C>G, p.Asp1124Glu (NM_001407452.1); c.3225C>G, p.Asp1075Glu (NM_001407453.1, NM_001354901.2); c.3153C>G, p.Asp1051Glu (NM_001407454.1, NM_001407455.1, NM_001407456.1 and 1 more transcripts); c.3099C>G, p.Asp1033Glu (NM_001407458.1, NM_001407459.1, NM_001407460.1 and 1 more transcripts); c.3015C>G, p.Asp1005Glu (NM_001407467.1, NM_001407469.1); c.2553C>G, p.Asp851Glu (NM_001407470.1, NM_001354906.2); and 11 more; short protein forms D1106E, D1116E, D1134E, D1144E, D1162E, D1005E, D1008E, D1043E.
Identifiers: ClinVar variation 5024820 (VCV005024820.1).